The following is an entry in ClinVar:

NM_014754.3(PTDSS1):c.874C>T (p.Leu292Phe)

Gene: PTDSS1 (phosphatidylserine synthase 1; plus strand). Cytogenetic location: 8q22.1.
Variant type: single nucleotide variant.
Coding change: c.874C>T on transcript NM_014754.3 (MANE Select); coding-DNA position 874, C replaced by T.
Protein change: p.Leu292Phe; replaces leucine 292 with phenylalanine.
Molecular consequence: missense variant.
Genome position (GRCh38, 1-based): chr8:96,304,161, C>T. VCF-style: chr8-96304161-C-T. GRCh37 (hg19) VCF-style: chr8-97316389-C-T.
Other names: c.874C>T (NM_014754.1); c.436C>T, p.Leu146Phe (NM_001290225.2); short protein forms L292F, L146F.
Identifiers: ClinVar variation 1370136 (VCV001370136.9), dbSNP rs2130109010, ClinGen allele CA371757017.

ClinVar aggregate classification (germline): Uncertain significance. Review status: criteria provided, multiple submitters, no conflicts (2 of 4 stars). 2 submissions from 2 submitters: Uncertain significance (2). Last evaluated 2022-02-02.

Conditions:
Inborn genetic diseases. Identifiers: MedGen C0950123, MeSH D030342.

Submissions (2):

Ambry Genetics
Classification: Uncertain significance for Inborn genetic diseases. Last evaluated: 2022-02-02. Review status: criteria provided, single submitter. Criteria: Ambry Variant Classification Scheme 2023. Collection method: clinical testing. Allele origin: germline.

Labcorp Genetics (formerly Invitae), Labcorp
Classification: Uncertain significance. Last evaluated: 2021-07-26. Review status: criteria provided, single submitter. Criteria: Invitae Variant Classification Sherloc (09022015). Collection method: clinical testing. Allele origin: germline.
Comment: This variant has not been reported in the literature in individuals affected with PTDSS1-related conditions. In summary, the available evidence is currently insufficient to determine the role of this variant in disease. Therefore, it has been classified as a Variant of Uncertain Significance. Algorithms developed to predict the effect of missense changes on protein structure and function are either unavailable or do not agree on the potential impact of this missense change (SIFT: "Tolerated"; PolyPhen-2: "Probably Damaging"; Align-GVGD: "Class C0"). This variant is not present in population databases (ExAC no frequency). This sequence change replaces leucine with phenylalanine at codon 292 of the PTDSS1 protein (p.Leu292Phe). The leucine residue is highly conserved and there is a small physicochemical difference between leucine and phenylalanine.